The following is an entry in ClinVar:

NM_017827.4(SARS2):c.1053G>A (p.Val351=)

Gene: SARS2 (seryl-tRNA synthetase 2, mitochondrial; minus strand). Cytogenetic location: 19q13.2.
Variant type: single nucleotide variant.
Coding change: c.1053G>A on transcript NM_017827.4 (MANE Select); coding-DNA position 1053, G replaced by A.
Protein change: p.Val351=; no amino-acid change (valine 351 retained).
Molecular consequence: synonymous variant.
Genome position (GRCh38, 1-based): chr19:38,917,831, C>T on the plus strand (G>A on the coding strand, the complement: SARS2 is on the minus strand). VCF-style: chr19-38917831-C-T. GRCh37 (hg19) VCF-style: chr19-39408471-C-T.
Other names: c.1059G>A, p.Val353= (NM_001145901.2).
Identifiers: ClinVar variation 2834061 (VCV002834061.2), dbSNP rs2513526772, ClinGen allele CA507388108.
Genomic context (GRCh38, chr19:38,917,831, plus strand): 5'-GAACTCCTCCAGCAGCTGTGAGCTCTGCTCCAGCCCAGGGCCTGTCACCCCAAACATCTC[C>T]ACCTGGGACAGAGGGCACAGGAGTCAGGAGGCTCTGAGCTCTTGGGGTGGCCCCCCACCC-3'
Protein context (NP_060297.1, residues 341-361): GLYRVHHFTK[Val351=]EMFGVTGPGL

ClinVar aggregate classification (germline): Uncertain significance (1 of 4 stars; one submission).

Submission:

Labcorp Genetics (formerly Invitae), Labcorp
Classification: Uncertain significance. Last evaluated: 2023-06-09. Review status: criteria provided, single submitter. Criteria: Invitae Variant Classification Sherloc (09022015). Collection method: clinical testing. Allele origin: germline.
Comment: This variant is not present in population databases (gnomAD no frequency). This variant has not been reported in the literature in individuals affected with SARS2-related conditions. Algorithms developed to predict the effect of sequence changes on RNA splicing suggest that this variant may create or strengthen a splice site. In summary, the available evidence is currently insufficient to determine the role of this variant in disease. Therefore, it has been classified as a Variant of Uncertain Significance. This sequence change affects codon 351 of the SARS2 mRNA. It is a 'silent' change, meaning that it does not change the encoded amino acid sequence of the SARS2 protein.